The following is an entry in ClinVar:

ClinVar aggregate classification (germline): Uncertain significance. Review status: criteria provided, single submitter (1 of 4 stars). 2 submissions from 2 submitters: Uncertain significance (1). 1 of the submissions does not count toward it. Last evaluated 2022-01-26.

Conditions:
COL1A2-related disorder. Also called: COL1A2-related condition; COL1A2-Related Disorders.

Submissions (2):

Revvity Omics, Revvity
Classification: Uncertain significance. Last evaluated: 2022-01-26. Review status: criteria provided, single submitter. Criteria: ACMG Guidelines, 2015. Collection method: clinical testing. Allele origin: germline.

PreventionGenetics, part of Exact Sciences
Classification: Likely pathogenic for COL1A2-related condition. Last evaluated: 2024-09-13. Review status: no assertion criteria provided. Collection method: clinical testing. Allele origin: germline. Not counted in ClinVar's aggregate classification.
Comment: The COL1A2 c.2187+5G>A variant is predicted to interfere with splicing. To our knowledge, this variant has not been reported in the literature or in a large population database, indicating this variant is rare. Variants affecting the canonical splice site (c.2187+1G>C, c.2187+2T>C) have been reported in individuals with osteogenesis imperfecta (Table S7, Stranneheim et al. 2021. PubMed ID: 33726816; Lee et al. 2006. PubMed ID: 16705691). This variant is interpreted as likely pathogenic.

NM_000089.4(COL1A2):c.2187+5G>A

Gene: COL1A2 (collagen type I alpha 2 chain; plus strand). Cytogenetic location: 7q21.3.
Variant type: single nucleotide variant.
Coding change: c.2187+5G>A on transcript NM_000089.4 (MANE Select); 5 bases into the intron after coding-DNA position 2187, G replaced by A.
Molecular consequence: intron variant.
Genome position (GRCh38, 1-based): chr7:94,420,449, G>A. VCF-style: chr7-94420449-G-A. GRCh37 (hg19) VCF-style: chr7-94049761-G-A.
Other names: c.2187+5G>A (NM_000089.3).
Identifiers: ClinVar variation 2440279 (VCV002440279.4), dbSNP rs2484725506, ClinGen allele CA2580077891.